The following is an entry in ClinVar:

NM_030665.4(RAI1):c.3689C>T (p.Ala1230Val)

Gene: RAI1 (retinoic acid induced 1; plus strand). Cytogenetic location: 17p11.2.
Variant type: single nucleotide variant.
Coding change: c.3689C>T on transcript NM_030665.4 (MANE Select); coding-DNA position 3689, C replaced by T.
Protein change: p.Ala1230Val; replaces alanine 1230 with valine.
Molecular consequence: missense variant.
Genome position (GRCh38, 1-based): chr17:17,796,637, C>T. VCF-style: chr17-17796637-C-T. GRCh37 (hg19) VCF-style: chr17-17699951-C-T.
Other names: short protein forms A1230V.
Identifiers: ClinVar variation 3714889 (VCV003714889.2).

ClinVar aggregate classification (germline): Uncertain significance (1 of 4 stars; one submission).

gnomAD v4.1: 44 of 1,611,750 alleles (0.0027%); highest among the groups gnomAD compares: South Asian, 0.047%; 1 homozygote.

Submission:

Labcorp Genetics (formerly Invitae), Labcorp
Classification: Uncertain significance. Last evaluated: 2024-03-28. Review status: criteria provided, single submitter. Criteria: Invitae Variant Classification Sherloc (09022015). Collection method: clinical testing. Allele origin: germline.
Comment: This sequence change replaces alanine, which is neutral and non-polar, with valine, which is neutral and non-polar, at codon 1230 of the RAI1 protein (p.Ala1230Val). This variant is present in population databases (rs374187267, gnomAD 0.04%). This variant has not been reported in the literature in individuals affected with RAI1-related conditions. Advanced modeling of protein sequence and biophysical properties (such as structural, functional, and spatial information, amino acid conservation, physicochemical variation, residue mobility, and thermodynamic stability) performed at Invitae indicates that this missense variant is not expected to disrupt RAI1 protein function with a negative predictive value of 80%. In summary, the available evidence is currently insufficient to determine the role of this variant in disease. Therefore, it has been classified as a Variant of Uncertain Significance.